The following is an entry in ClinVar:

ClinVar aggregate classification (germline): Uncertain significance. Review status: criteria provided, multiple submitters, no conflicts (2 of 4 stars). 3 submissions from 3 submitters: Uncertain significance (2). 1 of the submissions does not count toward it. Last evaluated 2025-02-27.

Conditions:
GFI1B-related disorder. Also called: GFI1B-related condition.
Inborn genetic diseases. Identifiers: MedGen C0950123, MeSH D030342.

Allele frequency attached by ClinVar (database versions not stated): gnomAD 0.00001; ExAC 0.00005; ESP Exome Variant Server 0.00008.
gnomAD v4.1: 67 of 1,614,010 alleles (0.0042%); highest among the groups gnomAD compares: South Asian, 0.042%; no homozygotes.

Submissions (3):

Ambry Genetics
Classification: Uncertain significance for Inborn genetic diseases. Last evaluated: 2025-02-27. Review status: criteria provided, single submitter. Criteria: Ambry Variant Classification Scheme 2023. Collection method: clinical testing. Allele origin: germline.

Blueprint Genetics
Classification: Uncertain significance. Last evaluated: 2023-09-04. Review status: criteria provided, single submitter. Criteria: ACMG Guidelines, 2015. Collection method: clinical testing. Allele origin: germline.

PreventionGenetics, part of Exact Sciences
Classification: Uncertain significance for GFI1B-related condition. Last evaluated: 2024-02-29. Review status: no assertion criteria provided. Collection method: clinical testing. Allele origin: germline. Not counted in ClinVar's aggregate classification.
Comment: The GFI1B c.676G>A variant is predicted to result in the amino acid substitution p.Gly226Ser. To our knowledge, this variant has not been reported in the literature. This variant is reported in 0.049% of alleles in individuals of South Asian descent in gnomAD. At this time, the clinical significance of this variant is uncertain due to the absence of conclusive functional and genetic evidence.

NM_001377304.1(GFI1B):c.676G>A (p.Gly226Ser)

Gene: GFI1B (growth factor independent 1B transcriptional repressor; plus strand). Cytogenetic location: 9q34.13.
Variant type: single nucleotide variant.
Coding change: c.676G>A on transcript NM_001377304.1 (MANE Select); coding-DNA position 676, G replaced by A.
Protein change: p.Gly226Ser; replaces glycine 226 with serine.
Molecular consequence: missense variant.
Genome position (GRCh38, 1-based): chr9:132,989,769, G>A. VCF-style: chr9-132989769-G-A. GRCh37 (hg19) VCF-style: chr9-135865156-G-A.
Other names: c.538G>A, p.Gly180Ser (NM_001135031.2, NM_001377305.1); c.742G>A, p.Gly248Ser (NM_001371908.1); c.676G>A, p.Gly226Ser (NM_004188.8); c.676G>A (NM_004188.4); short protein forms G180S, G226S, G248S.
Identifiers: ClinVar variation 3030946 (VCV003030946.4), dbSNP rs371084332, ClinGen allele CA5302067.